The following is an entry in ClinVar:

ClinVar aggregate classification (germline): Uncertain significance. Review status: criteria provided, multiple submitters, no conflicts (2 of 4 stars). 2 submissions from 2 submitters: Uncertain significance (2). Last evaluated 2023-03-31.

Conditions:
Inborn genetic diseases. Identifiers: MedGen C0950123, MeSH D030342.

Allele frequency attached by ClinVar (database versions not stated): gnomAD exomes below 0.00001; TOPMed below 0.00001.
gnomAD v4.1: 1 of 1,611,132 alleles (0.000062%); highest among the groups gnomAD compares: Non-Finnish European, 0.000085%; no homozygotes.

Submissions (3):

Ambry Genetics
Classification: Uncertain significance for Inborn genetic diseases. Last evaluated: 2023-03-31. Review status: criteria provided, single submitter. Criteria: Ambry Variant Classification Scheme 2023. Collection method: clinical testing. Allele origin: germline.

CeGaT Center for Human Genetics Tuebingen
Classification: Uncertain significance. Last evaluated: 2023-01-01. Review status: criteria provided, single submitter. Criteria: CeGaT Center For Human Genetics Tuebingen Variant Classification Criteria Version 2. Collection method: clinical testing. Allele origin: germline. Affected: yes. Observed: 1 variant allele.
Comment: SETD2: PM2

Dr. Peter K. Rogan Lab, Western University
No classification provided (evidence only). Condition: Ovarian serous cystadenocarcinoma. Review status: no classification provided. Collection method: in vitro. Allele origin: not applicable. Functional consequence: retained intron. Not counted in ClinVar's aggregate classification.

NM_014159.7(SETD2):c.3220A>G (p.Lys1074Glu)

Gene: SETD2 (SET domain containing 2, histone lysine methyltransferase; minus strand). Cytogenetic location: 3p21.31.
Variant type: single nucleotide variant.
Coding change: c.3220A>G on transcript NM_014159.7 (MANE Select); coding-DNA position 3220, A replaced by G.
Protein change: p.Lys1074Glu; replaces lysine 1074 with glutamic acid.
Molecular consequence: missense variant. On other transcripts: non-coding transcript variant (1).
Genome position (GRCh38, 1-based): chr3:47,121,416, T>C on the plus strand (A>G on the coding strand, the complement: SETD2 is on the minus strand). VCF-style: chr3-47121416-T-C. GRCh37 (hg19) VCF-style: chr3-47162906-T-C.
Other names: NC_000003.11:g.47162906T>C; c.3088A>G, p.Lys1030Glu (NM_001349370.3); short protein forms K1030E, K1074E.
Identifiers: ClinVar variation 2532179 (VCV002532179.27), dbSNP rs1559744031, ClinGen allele CA352523308.